The following is an entry in ClinVar:

ClinVar aggregate classification (germline): Uncertain significance (1 of 4 stars; one submission).

Submission:

Labcorp Genetics (formerly Invitae), Labcorp
Classification: Uncertain significance. Last evaluated: 2024-11-24. Review status: criteria provided, single submitter. Criteria: Invitae Variant Classification Sherloc (09022015). Collection method: clinical testing. Allele origin: germline.
Comment: This sequence change falls in intron 21 of the EMC1 gene. It does not directly change the encoded amino acid sequence of the EMC1 protein. It affects a nucleotide within the consensus splice site. Information on the frequency of this variant in the gnomAD database is not available, as this variant may be reported differently in the database. This variant has not been reported in the literature in individuals affected with EMC1-related conditions. Variants that disrupt the consensus splice site are a relatively common cause of aberrant splicing (PMID: 17576681, 9536098). Experimental studies and prediction algorithms are not available or were not evaluated, and the effect of this variant on mRNA splicing is currently unknown. In summary, the available evidence is currently insufficient to determine the role of this variant in disease. Therefore, it has been classified as a Variant of Uncertain Significance.

Literature cited by the submitters: PubMed 17576681; PubMed 9536098.

NM_015047.3(EMC1):c.2673-4_2673-3delinsAA

Genes: EMC1 (ER membrane protein complex subunit 1; minus strand), EMC1-AS1 (EMC1 antisense RNA 1; plus strand). Cytogenetic location: 1p36.13.
Variant type: Indel.
Coding change: c.2673-4_2673-3delinsAA on transcript NM_015047.3 (MANE Select); 4 bases into the intron before coding-DNA position 2673 through 3 bases into the intron before coding-DNA position 2673, GC replaced by AA.
Molecular consequence: intron variant.
Genome position (GRCh38, 1-based): chr1:19,219,701-19,219,702, GC replaced by TT on the plus strand (GC replaced by AA on the coding strand, the reverse complement: EMC1 is on the minus strand). VCF-style: chr1-19219701-GC-TT. GRCh37 (hg19) VCF-style: chr1-19546195-GC-TT.
Other names: c.2607-4_2607-3delinsAA (NM_001271429.2); c.2670-4_2670-3delinsAA (NM_001271427.2, NM_001271428.2); c.2679-4_2679-3delinsAA (NM_001375821.1); c.2682-4_2682-3delinsAA (NM_001375820.1).
Identifiers: ClinVar variation 3725924 (VCV003725924.2).
Genomic context (GRCh38, chr1:19,219,701, plus strand): 5'-GATGAATCGCTCTGCGTGTATCTGTACATCTGGAGAATACGGGATTAAGTTCTCCTCTCT[GC>TT]AAAACACCAGCCGGGACAGGCAGTCTGAGCACTGCTGTAAAGGGATCTCTTGGCTGCCCT-3'